The following is an entry in ClinVar:

NM_052963.3(TOP1MT):c.1385T>C (p.Val462Ala)

Gene: TOP1MT (DNA topoisomerase I mitochondrial; minus strand). Cytogenetic location: 8q24.3.
Variant type: single nucleotide variant.
Coding change: c.1385T>C on transcript NM_052963.3 (MANE Select); coding-DNA position 1385, T replaced by C.
Protein change: p.Val462Ala; replaces valine 462 with alanine.
Molecular consequence: missense variant.
Genome position (GRCh38, 1-based): chr8:143,316,072, A>G on the plus strand (T>C on the coding strand, the complement: TOP1MT is on the minus strand). VCF-style: chr8-143316072-A-G. GRCh37 (hg19) VCF-style: chr8-144398242-A-G.
Other names: c.1091T>C, p.Val364Ala (NM_001258446.1, NM_001258447.1); short protein forms V462A, V364A.
Identifiers: ClinVar variation 4773417 (VCV004773417.1).
Genomic context (GRCh38, chr8:143,316,072, plus strand): 5'-TTCTGCATCGACTTCTCGAACGTACTGGGGGTTGCTCGCTGATGGTTGCAGAGAATGGCC[A>G]CGACTCGGTTGGCTCGGTTGTAGGATAAGATCTTAGCTGCTATGCTGTCCTCGGCTGAGA-3'
Protein context (NP_443195.1, residues 452-472): ILSYNRANRV[Val462Ala]AILCNHQRAT

ClinVar aggregate classification (germline): Uncertain significance (1 of 4 stars; one submission).

Submission:

Labcorp Genetics (formerly Invitae), Labcorp
Classification: Uncertain significance. Last evaluated: 2025-06-02. Review status: criteria provided, single submitter. Criteria: Invitae Variant Classification Sherloc (09022015). Collection method: clinical testing. Allele origin: germline.
Comment: This sequence change replaces valine, which is neutral and non-polar, with alanine, which is neutral and non-polar, at codon 462 of the TOP1MT protein (p.Val462Ala). This variant is not present in population databases (gnomAD no frequency). This variant has not been reported in the literature in individuals affected with TOP1MT-related conditions. Invitae Evidence Modeling of protein sequence and biophysical properties (such as structural, functional, and spatial information, amino acid conservation, physicochemical variation, residue mobility, and thermodynamic stability) indicates that this missense variant is not expected to disrupt TOP1MT protein function with a negative predictive value of 80%. In summary, the available evidence is currently insufficient to determine the role of this variant in disease. Therefore, it has been classified as a Variant of Uncertain Significance.